The following is an entry in ClinVar:

ClinVar aggregate classification (germline): Likely benign (1 of 4 stars; one submission).

Allele frequency attached by ClinVar (database versions not stated): 1000 Genomes Project 30x 0.01140; gnomAD 0.00839; TOPMed 0.01102; 1000 Genomes Project 0.01098.
gnomAD v4.1: 2,120 of 820,948 alleles (0.26%); highest among the groups gnomAD compares: African/African-American, 3.1%; 26 homozygotes.

Submission:

GeneDx
Classification: Likely benign. Last evaluated: 2018-06-16. Review status: criteria provided, single submitter. Criteria: GeneDx Variant Classification (06012015). Collection method: clinical testing. Allele origin: germline. Affected: yes.
Comment: This variant is considered likely benign or benign based on one or more of the following criteria: it is a conservative change, it occurs at a poorly conserved position in the protein, it is predicted to be benign by multiple in silico algorithms, and/or has population frequency not consistent with disease.

NM_001134831.2(AHI1):c.2989-135C>G

Gene: AHI1 (Abelson helper integration site 1; minus strand). Cytogenetic location: 6q23.3.
Variant type: single nucleotide variant.
Coding change: c.2989-135C>G on transcript NM_001134831.2 (MANE Select); 135 bases into the intron before coding-DNA position 2989, C replaced by G.
Molecular consequence: intron variant.
Genome position (GRCh38, 1-based): chr6:135,395,031, G>C on the plus strand (C>G on the coding strand, the complement: AHI1 is on the minus strand). VCF-style: chr6-135395031-G-C. GRCh37 (hg19) VCF-style: chr6-135716169-G-C.
Other names: c.2989-135C>G (NM_001134830.2, NM_001350503.2, NM_017651.5 and 2 more transcripts).
Identifiers: ClinVar variation 678307 (VCV000678307.1), dbSNP rs12111490, ClinGen allele CA148541766.